The following is an entry in ClinVar:

ClinVar aggregate classification (germline): Likely benign. Review status: criteria provided, multiple submitters, no conflicts (2 of 4 stars). 2 submissions from 2 submitters: Likely benign (2). Last evaluated 2025-12-07.

Conditions:
Episodic ataxia type 2 (EA2). Also called: ACETAZOLAMIDE-RESPONSIVE HEREDITARY PAROXYSMAL CEREBELLAR ATAXIA; ATAXIA, EPISODIC, WITH NYSTAGMUS; ATAXIA, FAMILIAL PAROXYSMAL; CEREBELLAR ATAXIA, PAROXYSMAL, ACETAZOLAMIDE-RESPONSIVE; CEREBELLOPATHY, HEREDITARY PAROXYSMAL; EPISODIC ATAXIA, NYSTAGMUS-ASSOCIATED. Identifiers: Orphanet 97, MedGen C1720416, MONDO:0007163, OMIM 108500.
Developmental and epileptic encephalopathy, 42 (DEE42A). Also called: DEVELOPMENTAL AND EPILEPTIC ENCEPHALOPATHY 42A; EPILEPTIC ENCEPHALOPATHY, EARLY INFANTILE, 42A; Epileptic encephalopathy, early infantile, 42. Identifiers: MedGen C4310716, MONDO:0014917, OMIM 617106.

Allele frequency attached by ClinVar (database versions not stated): gnomAD exomes below 0.00001; ExAC 0.00001.
gnomAD v4.1: 8 of 1,613,378 alleles (0.0005%); highest among the groups gnomAD compares: Non-Finnish European, 0.00068%; no homozygotes.

Submissions (2):

Mayo Clinic Laboratories, Mayo Clinic
Classification: Likely benign. Last evaluated: 2025-12-07. Review status: criteria provided, single submitter. Criteria: ACMG Guidelines, 2015. Collection method: clinical testing. Allele origin: germline. Observed: 1 variant allele.
Comment: BP4, BP7

Labcorp Genetics (formerly Invitae), Labcorp
Classification: Likely benign for Developmental and epileptic encephalopathy, 42; Episodic ataxia type 2. Last evaluated: 2024-08-21. Review status: criteria provided, single submitter. Criteria: Invitae Variant Classification Sherloc (09022015). Collection method: clinical testing. Allele origin: germline.

NM_001127222.2(CACNA1A):c.6159C>T (p.Thr2053=)

Gene: CACNA1A (calcium voltage-gated channel subunit alpha1 A; minus strand). Cytogenetic location: 19p13.13.
Variant type: single nucleotide variant.
Coding change: c.6159C>T on transcript NM_001127222.2 (MANE Select); coding-DNA position 6159, C replaced by T.
Protein change: p.Thr2053=; no amino-acid change (threonine 2053 retained).
Molecular consequence: synonymous variant.
Genome position (GRCh38, 1-based): chr19:13,212,414, G>A on the plus strand (C>T on the coding strand, the complement: CACNA1A is on the minus strand). VCF-style: chr19-13212414-G-A. GRCh37 (hg19) VCF-style: chr19-13323228-G-A.
Other names: p.Thr2054=; c.6162C>T (NM_001127221.1); c.6177C>T, p.Thr2059= (NM_000068.4, NM_023035.3); c.6162C>T, p.Thr2054= (NM_001127221.2); c.6168C>T, p.Thr2056= (NM_001174080.2).
Identifiers: ClinVar variation 1101261 (VCV001101261.10), dbSNP rs767440240, ClinGen allele CA9239461.